The following is an entry in ClinVar:

ClinVar aggregate classification (germline): Pathogenic (1 of 4 stars; one submission).

Conditions:
Joubert syndrome. Also called: CEREBELLOPARENCHYMAL DISORDER IV; JOUBERT-BOLTSHAUSER SYNDROME; Familial aplasia of the vermis. Identifiers: Orphanet 475, MedGen C5979921, MONDO:0018772.
Meckel-Gruber syndrome. Also called: DYSENCEPHALIA SPLANCHNOCYSTICA; GRUBER SYNDROME; Dysencephalia splachnocystica. Identifiers: Orphanet 564, MedGen C0265215, MONDO:0018921.

Submission:

Labcorp Genetics (formerly Invitae), Labcorp
Classification: Pathogenic for Joubert syndrome; Meckel-Gruber syndrome. Last evaluated: 2023-09-03. Review status: criteria provided, single submitter. Criteria: Invitae Variant Classification Sherloc (09022015). Collection method: clinical testing. Allele origin: germline.
Comment: This sequence change creates a premature translational stop signal (p.Ser951Hisfs*2) in the RPGRIP1L gene. It is expected to result in an absent or disrupted protein product. Loss-of-function variants in RPGRIP1L are known to be pathogenic (PMID: 17558409). This variant is not present in population databases (gnomAD no frequency). This variant has not been reported in the literature in individuals affected with RPGRIP1L-related conditions. For these reasons, this variant has been classified as Pathogenic.

Literature cited by the submitters: PubMed 17558409.

NM_015272.5(RPGRIP1L):c.2851_2863del (p.Ser951fs)

Gene: RPGRIP1L (RPGRIP1 like; minus strand). Cytogenetic location: 16q12.2.
Variant type: Deletion.
Coding change: c.2851_2863del on transcript NM_015272.5 (MANE Select); coding-DNA positions 2851 to 2863, 13 bases deleted (TCCTCTGTTAGCA).
Protein change: p.Ser951fs; shifts the reading frame from serine 951.
Molecular consequence: frameshift variant.
Genome position (GRCh38, 1-based): chr16:53,641,296-53,641,308, TGCTAACAGAGGA deleted on the plus strand (TCCTCTGTTAGCA on the coding strand, the reverse complement: RPGRIP1L is on the minus strand); deleting any 13 consecutive bases within chr16:53,641,296-53,641,312 gives the same sequence; the c. name uses the placement nearest the transcript's 3' end. VCF-style (leftmost placement, unchanged base first): chr16-53641295-GTGCTAACAGAGGA-G. GRCh37 (hg19) VCF-style: chr16-53675207-GTGCTAACAGAGGA-G.
Other names: c.2851_2863del, p.Ser951fs (NM_001127897.4, NM_001308334.3, NM_001330538.2); short protein forms S951fs.
Identifiers: ClinVar variation 2951585 (VCV002951585.3), dbSNP rs2544044964, ClinGen allele CA2740093348.